The following is an entry in ClinVar:

NM_001018115.3(FANCD2):c.1766+1G>A

Genes: FANCD2 (FA complementation group D2; plus strand), LOC107303338 (3p25 FANCD2 Alu-mediated recombination region; plus strand). Cytogenetic location: 3p25.3.
Variant type: single nucleotide variant.
Coding change: c.1766+1G>A on transcript NM_001018115.3 (MANE Select); the canonical splice donor site of the intron after coding-DNA position 1766, G replaced by A.
Molecular consequence: splice donor variant.
Genome position (GRCh38, 1-based): chr3:10,060,404, G>A. VCF-style: chr3-10060404-G-A. GRCh37 (hg19) VCF-style: chr3-10102088-G-A.
Other names: c.1766+1G>A (NM_001319984.2, NM_033084.6, NM_001374254.1); c.1655+1G>A (NM_001374253.1).
Identifiers: ClinVar variation 2789116 (VCV002789116.4), dbSNP rs1356755641, ClinGen allele CA351727520.

ClinVar aggregate classification (germline): Likely pathogenic (1 of 4 stars; one submission).

Conditions:
Fanconi anemia (FA). Also called: Fanconi's anemia. Identifiers: Orphanet 84, MedGen C0015625, MeSH D005199, MONDO:0019391.

Submissions (2):

Labcorp Genetics (formerly Invitae), Labcorp
Classification: Likely pathogenic for Fanconi anemia. Last evaluated: 2023-08-24. Review status: criteria provided, single submitter. Criteria: Invitae Variant Classification Sherloc (09022015). Collection method: clinical testing. Allele origin: germline.
Comment: This sequence change affects a donor splice site in intron 19 of the FANCD2 gene. It is expected to disrupt RNA splicing. Variants that disrupt the donor or acceptor splice site typically lead to a loss of protein function (PMID: 16199547), and loss-of-function variants in FANCD2 are known to be pathogenic (PMID: 17436244). This variant is not present in population databases (gnomAD no frequency). This variant has not been reported in the literature in individuals affected with FANCD2-related conditions. Algorithms developed to predict the effect of sequence changes on RNA splicing suggest that this variant may disrupt the consensus splice site. In summary, the currently available evidence indicates that the variant is pathogenic, but additional data are needed to prove that conclusively. Therefore, this variant has been classified as Likely Pathogenic.

Dr. Peter K. Rogan Lab, Western University
No classification provided (evidence only). Condition: Papillary renal cell carcinoma type 1. Review status: no classification provided. Collection method: in vitro. Allele origin: not applicable. Functional consequence: retained intron. Not counted in ClinVar's aggregate classification.

Literature cited by the submitters: PubMed 16199547 (cited by Labcorp Genetics (formerly Invitae), Labcorp); PubMed 17436244 (cited by Labcorp Genetics (formerly Invitae), Labcorp).